The following is an entry in ClinVar:

ClinVar aggregate classification (germline): Uncertain significance. Review status: reviewed by expert panel (3 of 4 stars). 2 submissions from 2 submitters: Uncertain significance (1). 1 of the submissions does not count toward it. Last evaluated 2025-10-07.

Conditions:
Hereditary von Willebrand disease. Identifiers: Orphanet 903, MedGen C5703318, MONDO:0019565. Inheritance: Autosomal recessive or Autosomal dominant.

Submissions (2):

ClinGen von Willebrand Disease Variant Curation Expert Panel, ClinGen
Classification: Uncertain significance for Hereditary von Willebrand disease. Last evaluated: 2025-10-07. Review status: reviewed by expert panel. Criteria: ClinGen VWD 2A B M Rules. Collection method: curation. Allele origin: germline. Inheritance: Autosomal dominant inheritance.
Comment: The NM_000552.5(VWF):c.4826G>A variant in VWF is a missense variant predicted to cause substitution of glycine by glutamate at amino acid 1609. This variant is absent from gnomAD v4.1 (PM2_Supporting). Another missense variant NM_000552.5:c.4825G>A (p.Gly1609Arg) in the same codon has been classified as pathogenic for VWD by the ClinGen VWD VCEP (PM5). Splicing prediction using SpliceAI revealed no expected effects on splicing due to either of these variants. There is a single case reported to ClinVar with this variant and to be affected however no clinical details were provided. This variant was also not found in any publication or the LOVD database. In summary, this variant meets the criteria to be classified as a variant of uncertain significance for autosomal dominant von Willebrand disease based on the ACMG/AMP criteria applied, as specified by the ClinGen VWD VCEP: PM2_Supporting, PM5_Supporting. (ClinGen von Willebrand Disease Expert Panel Specifications to the ACMG/AMP Variant Interpretation Guidelines for VWF Version 1.0.0)

GeneDx
Classification: Uncertain significance. Last evaluated: 2022-11-30. Review status: criteria provided, single submitter. Criteria: GeneDx Variant Classification Process June 2021. Collection method: clinical testing. Allele origin: germline. Affected: yes. Not counted in ClinVar's aggregate classification.
Comment: Not observed at significant frequency in large population cohorts (gnomAD); In silico analysis supports that this missense variant does not alter protein structure/function; Has not been previously published as pathogenic or benign to our knowledge

NM_000552.5(VWF):c.4826G>A (p.Gly1609Glu)

Gene: VWF (von Willebrand factor; minus strand). Cytogenetic location: 12p13.31.
Variant type: single nucleotide variant.
Coding change: c.4826G>A on transcript NM_000552.5 (MANE Select); coding-DNA position 4826, G replaced by A.
Protein change: p.Gly1609Glu; replaces glycine 1609 with glutamic acid.
Molecular consequence: missense variant.
Genome position (GRCh38, 1-based): chr12:6,018,592, C>T on the plus strand (G>A on the coding strand, the complement: VWF is on the minus strand). VCF-style: chr12-6018592-C-T. GRCh37 (hg19) VCF-style: chr12-6127758-C-T.
Other names: NM_000552.5(VWF):c.4826G>A; p.Gly1609Glu; short protein forms G1609E.
Identifiers: ClinVar variation 2504480 (VCV002504480.2), dbSNP rs2497512685, ClinGen allele CA383499032.
Genomic context (GRCh38, chr12:6,018,592, plus strand): 5'-CCAATGGGCACCACCTGGATGTCTCCAGGCAGCCTCTTGATCTCATCAGAGGCAGGATTT[C>T]CGGTGACCATGTAGACCAGGTTGGGCGCCTGCTCCCGGTCACCCTGGCTGACCAAGAAGC-3'
Protein context (NP_000543.3, residues 1599-1619): QAPNLVYMVT[Gly1609Glu]NPASDEIKRL